The following is an entry in ClinVar:

ClinVar aggregate classification (germline): Uncertain significance (1 of 4 stars; one submission).

Conditions:
Deficiency of ferroxidase (ACEP). Also called: NEURODEGENERATION WITH BRAIN IRON ACCUMULATION 10; Aceruloplasminemia; Ceruloplasmin deficiency; Familial apoceruloplasmin deficiency; Hereditary ceruloplasmin deficiency; Deficiency of ceruloplasmin. Identifiers: Orphanet 48818, MedGen C0878682, MONDO:0011426, OMIM 604290, HP:0025498.

gnomAD v4.1: 1 of 1,614,200 alleles (0.000062%); highest among the groups gnomAD compares: Non-Finnish European, 0.000085%; no homozygotes.

Submission:

Labcorp Genetics (formerly Invitae), Labcorp
Classification: Uncertain significance for Deficiency of ferroxidase. Last evaluated: 2022-08-23. Review status: criteria provided, single submitter. Criteria: Invitae Variant Classification Sherloc (09022015). Collection method: clinical testing. Allele origin: germline.
Comment: This variant is not present in population databases (gnomAD no frequency). In summary, the available evidence is currently insufficient to determine the role of this variant in disease. Therefore, it has been classified as a Variant of Uncertain Significance. Algorithms developed to predict the effect of sequence changes on RNA splicing suggest that this variant may create or strengthen a splice site. Algorithms developed to predict the effect of missense changes on protein structure and function output the following: SIFT: "Tolerated"; PolyPhen-2: "Benign"; Align-GVGD: "Class C0". The serine amino acid residue is found in multiple mammalian species, which suggests that this missense change does not adversely affect protein function. ClinVar contains an entry for this variant (Variation ID: 1376269). This variant has not been reported in the literature in individuals affected with CP-related conditions. This sequence change replaces asparagine, which is neutral and polar, with serine, which is neutral and polar, at codon 483 of the CP protein (p.Asn483Ser).

NM_000096.4(CP):c.1448A>G (p.Asn483Ser)

Gene: CP (ceruloplasmin; minus strand). Cytogenetic location: 3q24.
Variant type: single nucleotide variant.
Coding change: c.1448A>G on transcript NM_000096.4 (MANE Select); coding-DNA position 1448, A replaced by G.
Protein change: p.Asn483Ser; replaces asparagine 483 with serine.
Molecular consequence: missense variant. On other transcripts: non-coding transcript variant (1).
Genome position (GRCh38, 1-based): chr3:149,199,765, T>C on the plus strand (A>G on the coding strand, the complement: CP is on the minus strand). VCF-style: chr3-149199765-T-C. GRCh37 (hg19) VCF-style: chr3-148917552-T-C.
Other names: short protein forms N483S.
Identifiers: ClinVar variation 1376269 (VCV001376269.8), dbSNP rs781513940, ClinGen allele CA354908687.